The following is an entry in ClinVar:

NM_001367949.2(FAT3):c.4213G>A (p.Ala1405Thr)

Gene: FAT3 (FAT atypical cadherin 3; plus strand). Cytogenetic location: 11q14.3.
Variant type: single nucleotide variant.
Coding change: c.4213G>A on transcript NM_001367949.2 (MANE Select); coding-DNA position 4213, G replaced by A.
Protein change: p.Ala1405Thr; replaces alanine 1405 with threonine.
Molecular consequence: missense variant.
Genome position (GRCh38, 1-based): chr11:92,774,058, G>A. VCF-style: chr11-92774058-G-A. GRCh37 (hg19) VCF-style: chr11-92507224-G-A.
Other names: c.4213G>A (NM_001008781.2); c.4213G>A, p.Ala1405Thr (NM_001008781.3); short protein forms A1405T.
Identifiers: ClinVar variation 3770646 (VCV003770646.13).

ClinVar aggregate classification (germline): Conflicting classifications of pathogenicity. Review status: criteria provided, conflicting classifications (1 of 4 stars). 2 submissions from 2 submitters: Uncertain significance (1); Likely benign (1). Last evaluated 2025-03-26.

gnomAD v4.1: 267 of 1,612,698 alleles (0.017%); highest among the groups gnomAD compares: Middle Eastern, 0.16%; 3 homozygotes.

Submissions (2):

Ambry Genetics
Classification: Uncertain significance. Last evaluated: 2025-03-26. Review status: criteria provided, single submitter. Criteria: Ambry Variant Classification Scheme 2023. Collection method: clinical testing. Allele origin: germline.

CeGaT Center for Human Genetics Tuebingen
Classification: Likely benign. Last evaluated: 2025-02-01. Review status: criteria provided, single submitter. Criteria: CeGaT Center For Human Genetics Tuebingen Variant Classification Criteria Version 2. Collection method: clinical testing. Allele origin: germline. Affected: yes. Observed: 1 variant allele.
Comment: FAT3: BP4, BS2